The following is an entry in ClinVar:

NM_000501.4(ELN):c.1414+20G>A

Gene: ELN (elastin; plus strand). Cytogenetic location: 7q11.23.
Variant type: single nucleotide variant.
Coding change: c.1414+20G>A on transcript NM_000501.4 (MANE Select); 20 bases into the intron after coding-DNA position 1414, G replaced by A.
Molecular consequence: intron variant.
Genome position (GRCh38, 1-based): chr7:74,057,716, G>A. VCF-style: chr7-74057716-G-A. GRCh37 (hg19) VCF-style: chr7-73472046-G-A.
Other names: c.1429+20G>A (NM_001081754.3); c.1372+1003G>A (NM_001081753.3); c.1501+20G>A (NM_001278939.2); c.1414+20G>A (NM_001278915.2, NM_001278912.2); c.1357+1003G>A (NM_001081755.3); c.1315+1003G>A (NM_001278916.2); c.1171+1003G>A (NM_001278913.2); c.1342+1003G>A (NM_001278914.2); and 3 more.
Identifiers: ClinVar variation 506659 (VCV000506659.9), dbSNP rs200995478, ClinGen allele CA4293034.

ClinVar aggregate classification (germline): Benign. Review status: criteria provided, multiple submitters, no conflicts (2 of 4 stars). 2 submissions from 2 submitters: Benign (2). Last evaluated 2026-02-01.

Conditions:
Supravalvar aortic stenosis (SVAS). Also called: Supravalvar aortic stenosis, Eisenberg type. Identifiers: Orphanet 3193, MedGen C0003499, MONDO:0008504, OMIM 185500, HP:0004381.

Allele frequency attached by ClinVar (database versions not stated): gnomAD 0.00010; gnomAD exomes 0.00098 and 0.00209; ExAC 0.00245; 1000 Genomes Project 30x 0.00297; 1000 Genomes Project 0.00319.
gnomAD v4.1: 1,541 of 1,612,604 alleles (0.096%); highest among the groups gnomAD compares: South Asian, 1.4%; 24 homozygotes.

Submissions (2):

Labcorp Genetics (formerly Invitae), Labcorp
Classification: Benign for Supravalvar aortic stenosis. Last evaluated: 2026-02-01. Review status: criteria provided, single submitter. Criteria: Invitae Variant Classification Sherloc (09022015). Collection method: clinical testing. Allele origin: germline.

GeneDx
Classification: Benign. Last evaluated: 2017-04-04. Review status: criteria provided, single submitter. Criteria: GeneDx Variant Classification (06012015). Collection method: clinical testing. Allele origin: germline. Affected: yes.
Comment: This variant is considered likely benign or benign based on one or more of the following criteria: it is a conservative change, it occurs at a poorly conserved position in the protein, it is predicted to be benign by multiple in silico algorithms, and/or has population frequency not consistent with disease.